The following is an entry in ClinVar:

ClinVar aggregate classification (germline): Conflicting classifications of pathogenicity. Review status: criteria provided, conflicting classifications (1 of 4 stars). 6 submissions from 6 submitters: Uncertain significance (3); Likely benign (1). 2 of the submissions do not count toward it. Last evaluated 2025-01-20.

Conditions:
EPS8L2-related disorder. Also called: EPS8L2-related condition.
Hearing loss, autosomal recessive 106. Also called: DEAFNESS, AUTOSOMAL RECESSIVE 106. Identifiers: MedGen C4539954, MONDO:0033198, OMIM 617637.

Allele frequency attached by ClinVar (database versions not stated): ESP Exome Variant Server 0.00063; gnomAD exomes 0.00109 and 0.00205; 1000 Genomes Project 0.00120; gnomAD 0.00137; TOPMed 0.00158; 1000 Genomes Project 30x 0.00234; ExAC 0.00522.
gnomAD v4.1: 2,635 of 1,341,402 alleles (0.2%); highest among the groups gnomAD compares: Admixed American, 0.29%; 3 homozygotes.

Submissions (6):

Labcorp Genetics (formerly Invitae), Labcorp
Classification: Uncertain significance. Last evaluated: 2025-01-20. Review status: criteria provided, single submitter. Criteria: Invitae Variant Classification Sherloc (09022015). Collection method: clinical testing. Allele origin: germline.
Comment: This sequence change replaces tryptophan, which is neutral and slightly polar, with cysteine, which is neutral and slightly polar, at codon 528 of the EPS8L2 protein (p.Trp528Cys). This variant is present in population databases (rs184903112, gnomAD 0.2%), and has an allele count higher than expected for a pathogenic variant. This variant has not been reported in the literature in individuals affected with EPS8L2-related conditions. ClinVar contains an entry for this variant (Variation ID: 1489788). An algorithm developed to predict the effect of missense changes on protein structure and function (PolyPhen-2) suggests that this variant is likely to be disruptive. In summary, the available evidence is currently insufficient to determine the role of this variant in disease. Therefore, it has been classified as a Variant of Uncertain Significance.

Blueprint Genetics
Classification: Likely benign. Last evaluated: 2024-11-27. Review status: criteria provided, single submitter. Criteria: ACMG Guidelines, 2015. Collection method: clinical testing. Allele origin: germline.

Women's Health and Genetics/Laboratory Corporation of America, LabCorp
Classification: Uncertain significance. Last evaluated: 2023-06-05. Review status: criteria provided, single submitter. Criteria: LabCorp Variant Classification Summary - May 2015. Collection method: clinical testing. Allele origin: germline.
Comment: Variant summary: EPS8L2 c.1584G>C (p.Trp528Cys) results in a non-conservative amino acid change located in the SH3 domain (IPR001452) of the encoded protein sequence. Five of five in-silico tools predict a damaging effect of the variant on protein function. The variant allele was found at a frequency of 0.0014 in 150904 control chromosomes (gnomAD v3.1.2). To our knowledge, no occurrence of c.1584G>C in individuals affected with Hearing Loss, Autosomal Recessive 106 and no experimental evidence demonstrating its impact on protein function have been reported. One ClinVar submitter has assessed the variant since 2014: the variant was classified as uncertain significance. Based on the evidence outlined above, the variant was classified as uncertain significance.

GeneDx
Classification: Uncertain significance. Last evaluated: 2023-01-03. Review status: criteria provided, single submitter. Criteria: GeneDx Variant Classification Process June 2021. Collection method: clinical testing. Allele origin: germline. Affected: yes.
Comment: In silico analysis supports that this missense variant has a deleterious effect on protein structure/function; In silico analysis is inconclusive as to whether the variant alters gene splicing. In the absence of RNA/functional studies, the actual effect of this sequence change is unknown.; Observed in apparent homozygous state in unrelated healthy adult individuals tested at GeneDx; Has not been previously published as pathogenic or benign to our knowledge

Zotz-Klimas Genetics Lab, MVZ Zotz Klimas
Classification: Uncertain significance for Hearing loss, autosomal recessive 106. Last evaluated: 2023-11-24. Review status: no assertion criteria provided. Collection method: clinical testing. Allele origin: germline. Affected: yes. Not counted in ClinVar's aggregate classification.

PreventionGenetics, part of Exact Sciences
Classification: Likely benign for EPS8L2-related condition. Last evaluated: 2022-09-23. Review status: no assertion criteria provided. Collection method: clinical testing. Allele origin: germline. Not counted in ClinVar's aggregate classification.
Comment: This variant is classified as likely benign based on ACMG/AMP sequence variant interpretation guidelines (Richards et al. 2015 PMID: 25741868, with internal and published modifications).

NM_022772.4(EPS8L2):c.1584G>C (p.Trp528Cys)

Gene: EPS8L2 (EPS8 signaling adaptor L2; plus strand). Cytogenetic location: 11p15.5.
Variant type: single nucleotide variant.
Coding change: c.1584G>C on transcript NM_022772.4 (MANE Select); coding-DNA position 1584, G replaced by C.
Protein change: p.Trp528Cys; replaces tryptophan 528 with cysteine.
Molecular consequence: missense variant.
Genome position (GRCh38, 1-based): chr11:725,751, G>C. VCF-style: chr11-725751-G-C. GRCh37 (hg19) VCF-style: chr11-725751-G-C.
Other names: c.1584G>C (NM_022772.3); short protein forms W528C.
Identifiers: ClinVar variation 1489788 (VCV001489788.10), dbSNP rs184903112, ClinGen allele CA5787701.